The following is an entry in ClinVar:

NM_000824.5(GLRB):c.1044A>G (p.Ala348=)

Gene: GLRB (glycine receptor beta; plus strand). Cytogenetic location: 4q32.1.
Variant type: single nucleotide variant.
Coding change: c.1044A>G on transcript NM_000824.5 (MANE Select); coding-DNA position 1044, A replaced by G.
Protein change: p.Ala348=; no amino-acid change (alanine 348 retained).
Molecular consequence: synonymous variant. On other transcripts: intron variant (1).
Genome position (GRCh38, 1-based): chr4:157,152,857, A>G. VCF-style: chr4-157152857-A-G. GRCh37 (hg19) VCF-style: chr4-158074009-A-G.
Other names: c.1044A>G, p.Ala348= (NM_001166060.2); c.904+8898A>G (NM_001166061.2).
Identifiers: ClinVar variation 347927 (VCV000347927.12), dbSNP rs139165593, ClinGen allele CA3119931.

ClinVar aggregate classification (germline): Benign/Likely benign. Review status: criteria provided, multiple submitters, no conflicts (2 of 4 stars). 2 submissions from 2 submitters: Benign (1); Likely benign (1). Last evaluated 2025-10-07.

Conditions:
Hyperekplexia 2 (HKPX2). Identifiers: Orphanet 3197, MedGen C3553291, MONDO:0013828, OMIM 614619.

Allele frequency attached by ClinVar (database versions not stated): gnomAD exomes 0.00003 and 0.00004; gnomAD 0.00005 and 0.00006; ExAC 0.00006; TOPMed 0.00006; ESP Exome Variant Server 0.00015; 1000 Genomes Project 30x 0.00016; 1000 Genomes Project 0.00020.
gnomAD v4.1: 59 of 1,614,096 alleles (0.0037%); highest among the groups gnomAD compares: East Asian, 0.1%; no homozygotes.

Submissions (2):

Labcorp Genetics (formerly Invitae), Labcorp
Classification: Likely benign for Hyperekplexia 2. Last evaluated: 2025-10-07. Review status: criteria provided, single submitter. Criteria: Invitae Variant Classification Sherloc (09022015). Collection method: clinical testing. Allele origin: germline.

Illumina Laboratory Services, Illumina
Classification: Benign for Hyperekplexia 2. Last evaluated: 2018-01-13. Review status: criteria provided, single submitter. Criteria: ICSL Variant Classification Criteria 13 December 2019. Collection method: clinical testing. Allele origin: germline.
Comment: This variant was observed in the ICSL laboratory as part of a predisposition screen in an ostensibly healthy population. It had not been previously curated by ICSL or reported in the Human Gene Mutation Database (HGMD: prior to June 1st, 2018), and was therefore a candidate for classification through an automated scoring system. Utilizing variant allele frequency, disease prevalence and penetrance estimates, and inheritance mode, an automated score was calculated to assess if this variant is too frequent to cause the disease. Based on the score and internal cut-off values, a variant classified as benign is not then subjected to further curation. The score for this variant resulted in a classification of benign for this disease.